The following is an entry in ClinVar:

ClinVar aggregate classification (germline): Pathogenic (1 of 4 stars; one submission).

Conditions:
Deficiency of adenosine deaminase 2. Also called: Polyarteritis nodosa, childhoood-onset; Adenosine Deaminase 2 Deficiency; VASCULITIS, AUTOINFLAMMATION, IMMUNODEFICIENCY, AND HEMATOLOGIC DEFECTS SYNDROME. Identifiers: Orphanet 404553, MedGen C3887654, MONDO:0014306, OMIM 615688, MONDO:0100317.

Submission:

Labcorp Genetics (formerly Invitae), Labcorp
Classification: Pathogenic for Deficiency of adenosine deaminase 2. Last evaluated: 2022-10-28. Review status: criteria provided, single submitter. Criteria: Invitae Variant Classification Sherloc (09022015). Collection method: clinical testing. Allele origin: germline.
Comment: This variant has not been reported in the literature in individuals affected with ADA2-related conditions. This variant is not present in population databases (gnomAD no frequency). This sequence change creates a premature translational stop signal (p.Met477Ilefs*13) in the ADA2 gene. While this is not anticipated to result in nonsense mediated decay, it is expected to disrupt the last 35 amino acid(s) of the ADA2 protein. ClinVar contains an entry for this variant (Variation ID: 961329). For these reasons, this variant has been classified as Pathogenic. This variant disrupts a region of the ADA2 protein in which other variant(s) (p.Asn491Lysfs*16) have been determined to be pathogenic (Invitae). This suggests that this is a clinically significant region of the protein, and that variants that disrupt it are likely to be disease-causing.

NM_001282225.2(ADA2):c.1430dup (p.Met477fs)

Gene: ADA2 (adenosine deaminase 2; minus strand). Cytogenetic location: 22q11.1.
Variant type: Duplication.
Coding change: c.1430dup on transcript NM_001282225.2 (MANE Select); coding-DNA position 1430, one base duplicated (T; older notation c.1430dupT).
Protein change: p.Met477fs; shifts the reading frame from methionine 477.
Molecular consequence: frameshift variant.
Genome position (GRCh38, 1-based): chr22:17,181,832, A duplicated on the plus strand (T on the coding strand, the reverse complement: ADA2 is on the minus strand). VCF-style (leftmost placement, unchanged base first): chr22-17181831-C-CA. GRCh37 (hg19) VCF-style: chr22-17662721-C-CA.
Other names: c.1430dup, p.Met477fs (NM_001282226.2); c.1304dup, p.Met435fs (NM_001282227.2, NM_001282228.2); c.1070dup, p.Met357fs (NM_001282229.2); c.707dup, p.Met236fs (NM_177405.3); short protein forms M435fs, M477fs, M357fs, M236fs.
Identifiers: ClinVar variation 961329 (VCV000961329.6), dbSNP rs2061972270, ClinGen allele CA1139666925.
Genomic context (GRCh38, chr22:17,181,831, plus strand): 5'-CTGCGGGCTGGAAGGAGGCGGGGGACCTGGGAGGACACAGGACACTCACTTGATAGAGTT[C>CA]ATGGCCAGCTGTTTGAGGGTCCTCAGGTCAGCCTTCATCCCCCCAATGCCCATGAAGACC-3'